The following is an entry in ClinVar:

NM_001105247.2(ARMC5):c.119del (p.Leu40fs)

Gene: ARMC5 (armadillo repeat containing 5; plus strand). Cytogenetic location: 16p11.2.
Variant type: Deletion.
Coding change: c.119del on transcript NM_001105247.2 (MANE Select); coding-DNA position 119, one base deleted (T; older notation c.119delT).
Protein change: p.Leu40fs; shifts the reading frame from leucine 40.
Molecular consequence: frameshift variant.
Genome position (GRCh38, 1-based): chr16:31,459,643, T deleted. VCF-style (leftmost placement, unchanged base first): chr16-31459642-CT-C. GRCh37 (hg19) VCF-style: chr16-31470963-CT-C.
Other names: c.404del, p.Leu135fs (NM_001288767.2); c.215del, p.Leu72fs (NM_001301820.1); c.119del, p.Leu40fs (NM_024742.2); short protein forms L135fs, L40fs, L72fs.
Identifiers: ClinVar variation 5009914 (VCV005009914.1).

ClinVar aggregate classification (germline): Likely pathogenic (1 of 4 stars; one submission).

Submission:

GeneDx
Classification: Likely pathogenic. Last evaluated: 2026-02-23. Review status: criteria provided, single submitter. Criteria: GeneDx Variant Classification Process June 2021. Collection method: clinical testing. Allele origin: germline.
Comment: Frameshift variant predicted to result in protein truncation or nonsense mediated decay in a gene for which loss of function is a known mechanism of disease; Not observed at significant frequency in large population cohorts (gnomAD); Has not been previously published as pathogenic or benign to our knowledge